The following is an entry in ClinVar:

NM_001267550.2(TTN):c.33018A>G (p.Thr11006=)

Gene: TTN (titin; minus strand). Cytogenetic location: 2q31.2.
Variant type: single nucleotide variant.
Coding change: c.33018A>G on transcript NM_001267550.2 (MANE Select); coding-DNA position 33018, A replaced by G.
Protein change: p.Thr11006=; no amino-acid change (threonine 11006 retained).
Molecular consequence: synonymous variant. On other transcripts: intron variant (3).
Genome position (GRCh38, 1-based): chr2:178,682,773, T>C on the plus strand (A>G on the coding strand, the complement: TTN is on the minus strand). VCF-style: chr2-178682773-T-C. GRCh37 (hg19) VCF-style: chr2-179547500-T-C.
Other names: c.32067A>G, p.Thr10689= (NM_001256850.1); c.29286A>G, p.Thr9762= (NM_133378.4); c.13283-40456A>G (NM_003319.4); c.13859-40456A>G (NM_133437.4); c.13658-40456A>G (NM_133432.3).
Identifiers: ClinVar variation 467024 (VCV000467024.16), dbSNP rs765492188, ClinGen allele CA1998474.

ClinVar aggregate classification (germline): Benign/Likely benign. Review status: criteria provided, multiple submitters, no conflicts (2 of 4 stars). 8 submissions from 5 submitters: Benign (5); Likely benign (3). Last evaluated 2025-10-17.

Conditions:
Autosomal recessive limb-girdle muscular dystrophy type 2J (LGMDR10). Also called: MUSCULAR DYSTROPHY, LIMB-GIRDLE, AUTOSOMAL RECESSIVE 10; Limb-girdle muscular dystrophy, type 2J. Identifiers: Orphanet 140922, MedGen C1837342, MONDO:0012127, OMIM 608807.
Tibial muscular dystrophy (TMD). Also called: UDD MYOPATHY; Tibial muscular dystrophy, tardive; Udd Distal Myopathy – Tibial Muscular Dystrophy. Identifiers: Orphanet 609, MedGen C1838244, MONDO:0010870, OMIM 600334.
Early-onset myopathy with fatal cardiomyopathy (CMYO5). Also called: CONGENITAL MYOPATHY 5 WITH CARDIOMYOPATHY; Salih Myopathy. Identifiers: Orphanet 289377, MedGen C2673677, MONDO:0012714, OMIM 611705. Disease mechanism: loss of function.
Dilated cardiomyopathy 1G (CMD1G). Identifiers: Orphanet 154, MedGen C1858763, MONDO:0011400, OMIM 604145.
Myopathy, myofibrillar, 9, with early respiratory failure (MFM9). Also called: Hereditary myopathy with early respiratory failure; EDSTROM MYOPATHY; MYOPATHY, PROXIMAL, WITH EARLY RESPIRATORY MUSCLE INVOLVEMENT; Myopathy, distal, with early respiratory failure, autosomal dominant. Identifiers: Orphanet 178464, Orphanet 34521, MedGen C1863599, MONDO:0011362, OMIM 603689.

Allele frequency attached by ClinVar (database versions not stated): gnomAD below 0.00001 and 0.00003; TOPMed 0.00001; gnomAD exomes 0.00006 and 0.00013; ExAC 0.00014.
gnomAD v4.1: 87 of 1,613,000 alleles (0.0054%); highest among the groups gnomAD compares: South Asian, 0.092%; 1 homozygote.

Submissions (8):

Labcorp Genetics (formerly Invitae), Labcorp
Classification: Benign for Dilated cardiomyopathy 1G; Autosomal recessive limb-girdle muscular dystrophy type 2J. Last evaluated: 2025-10-17. Review status: criteria provided, single submitter. Criteria: Invitae Variant Classification Sherloc (09022015). Collection method: clinical testing. Allele origin: germline.

Blueprint Genetics
Classification: Likely benign. Last evaluated: 2024-02-05. Review status: criteria provided, single submitter. Criteria: ACMG Guidelines, 2015. Collection method: clinical testing. Allele origin: germline.

Genome-Nilou Lab
Classification: Benign for Autosomal recessive limb-girdle muscular dystrophy type 2J. Last evaluated: 2021-09-10. Review status: criteria provided, single submitter. Criteria: ACMG Guidelines, 2015. Collection method: clinical testing. Allele origin: germline. Affected: no.

Genome-Nilou Lab
Classification: Benign for Myopathy, myofibrillar, 9, with early respiratory failure. Last evaluated: 2021-09-10. Review status: criteria provided, single submitter. Criteria: ACMG Guidelines, 2015. Collection method: clinical testing. Allele origin: germline. Affected: no.

Genome-Nilou Lab
Classification: Benign for Early-onset myopathy with fatal cardiomyopathy. Last evaluated: 2021-09-10. Review status: criteria provided, single submitter. Criteria: ACMG Guidelines, 2015. Collection method: clinical testing. Allele origin: germline. Affected: no.

Genome-Nilou Lab
Classification: Benign for Tibial muscular dystrophy. Last evaluated: 2021-09-10. Review status: criteria provided, single submitter. Criteria: ACMG Guidelines, 2015. Collection method: clinical testing. Allele origin: germline. Affected: no.

Eurofins Ntd Llc (ga)
Classification: Likely benign. Last evaluated: 2017-06-16. Review status: criteria provided, single submitter. Criteria: EGL Classification Definitions 2015. Collection method: clinical testing. Allele origin: germline. Observed: 1 variant allele, 1 heterozygote.

GeneDx
Classification: Likely benign. Last evaluated: 2017-06-06. Review status: criteria provided, single submitter. Criteria: GeneDx Variant Classification (06012015). Collection method: clinical testing. Allele origin: germline. Affected: yes.
Comment: This variant is considered likely benign or benign based on one or more of the following criteria: it is a conservative change, it occurs at a poorly conserved position in the protein, it is predicted to be benign by multiple in silico algorithms, and/or has population frequency not consistent with disease.